The following is an entry in ClinVar:

NM_001046.3(SLC12A2):c.3200A>G (p.His1067Arg)

Gene: SLC12A2 (solute carrier family 12 member 2; plus strand). Cytogenetic location: 5q23.3.
Variant type: single nucleotide variant.
Coding change: c.3200A>G on transcript NM_001046.3 (MANE Select); coding-DNA position 3200, A replaced by G.
Protein change: p.His1067Arg; replaces histidine 1067 with arginine.
Molecular consequence: missense variant. On other transcripts: non-coding transcript variant (1).
Genome position (GRCh38, 1-based): chr5:128,180,982, A>G. VCF-style: chr5-128180982-A-G. GRCh37 (hg19) VCF-style: chr5-127516674-A-G.
Other names: c.3152A>G, p.His1051Arg (NM_001256461.2); short protein forms H1067R, H1051R.
Identifiers: ClinVar variation 1410446 (VCV001410446.8), dbSNP rs750671766, ClinGen allele CA3393584.
Genomic context (GRCh38, chr5:128,180,982, plus strand): 5'-AAAAATGGAAAGACTGTAAGATCAGAGTATTCATTGGTGGAAAGATAAACAGAATAGACC[A>G]TGACCGGAGAGCGTAAGTTTATTTCACATTGAAGGGCATGAATCTATTAGCACTTCATTG-3'
Protein context (NP_001037.1, residues 1057-1077): FIGGKINRID[His1067Arg]DRRAMATLLS

ClinVar aggregate classification (germline): Uncertain significance (1 of 4 stars; one submission).

Allele frequency attached by ClinVar (database versions not stated): gnomAD exomes below 0.00001; ExAC 0.00001.
gnomAD v4.1: 2 of 1,588,244 alleles (0.00013%); highest among the groups gnomAD compares: East Asian, 0.0045%; no homozygotes.

Submission:

Labcorp Genetics (formerly Invitae), Labcorp
Classification: Uncertain significance. Last evaluated: 2022-06-13. Review status: criteria provided, single submitter. Criteria: Invitae Variant Classification Sherloc (09022015). Collection method: clinical testing. Allele origin: germline.
Comment: In summary, the available evidence is currently insufficient to determine the role of this variant in disease. Therefore, it has been classified as a Variant of Uncertain Significance. Advanced modeling of protein sequence and biophysical properties (such as structural, functional, and spatial information, amino acid conservation, physicochemical variation, residue mobility, and thermodynamic stability) performed at Invitae indicates that this missense variant is not expected to disrupt SLC12A2 protein function. This variant has not been reported in the literature in individuals affected with SLC12A2-related conditions. This variant is not present in population databases (gnomAD no frequency). This sequence change replaces histidine, which is basic and polar, with arginine, which is basic and polar, at codon 1067 of the SLC12A2 protein (p.His1067Arg).